The following is an entry in ClinVar:

ClinVar aggregate classification (germline): Pathogenic. Review status: criteria provided, multiple submitters, no conflicts (2 of 4 stars). 2 submissions from 2 submitters: Pathogenic (2). Last evaluated 2023-10-26.

Conditions:
Haim-Munk syndrome (HMS). Also called: COCHIN JEWISH DISORDER; KERATOSIS PALMOPLANTARIS WITH PERIODONTOPATHIA AND ONYCHOGRYPOSIS. Identifiers: Orphanet 2342, MedGen C1855627, MONDO:0009491, OMIM 245010.
Periodontitis, aggressive. Identifiers: MedGen C0031106, MONDO:0980757.
Papillon-Lefèvre syndrome (PALS). Also called: KERATOSIS PALMOPLANTARIS WITH PERIODONTOPATHIA; Papillon-Lefevre Disease. Identifiers: Orphanet 678, MedGen C0030360, MONDO:0009490, OMIM 245000.
Periodontitis, aggressive 1 (PDON1). Also called: PERIODONTITIS, JUVENILE; PERIODONTITIS, PREPUBERTAL. Identifiers: MedGen C4551681, MONDO:0008226, OMIM 170650.

Submissions (2):

Labcorp Genetics (formerly Invitae), Labcorp
Classification: Pathogenic for Haim-Munk syndrome; Periodontitis, aggressive; Papillon-Lefèvre syndrome. Last evaluated: 2023-10-26. Review status: criteria provided, single submitter. Criteria: Invitae Variant Classification Sherloc (09022015). Collection method: clinical testing. Allele origin: germline.
Comment: This sequence change creates a premature translational stop signal (p.Gly139*) in the CTSC gene. It is expected to result in an absent or disrupted protein product. Loss-of-function variants in CTSC are known to be pathogenic (PMID: 10662808, 11106356, 11886537). This variant is not present in population databases (gnomAD no frequency). This premature translational stop signal has been observed in individual(s) with Papillon-Lefevre syndrome (PMID: 33580910). Algorithms developed to predict the effect of sequence changes on RNA splicing suggest that this variant may disrupt the consensus splice site. For these reasons, this variant has been classified as Pathogenic.

Juno Genomics, Hangzhou Juno Genomics, Inc
Classification: Pathogenic for Haim-Munk syndrome; Papillon-Lefèvre syndrome; Periodontitis, aggressive 1. Review status: criteria provided, single submitter. Criteria: ACMG Guidelines, 2015. Collection method: clinical testing. Allele origin: germline.
Comment: Absent from controls (or at extremely low frequency if recessive) in Genome Aggregation Database.;Null variant in a gene where loss of function (LOF) is a known mechanism of disease.;For recessive disorders, detected in trans with a pathogenic variant.

Literature cited by the submitters: PubMed 10662808 (cited by Labcorp Genetics (formerly Invitae), Labcorp); PubMed 11106356 (cited by Labcorp Genetics (formerly Invitae), Labcorp); PubMed 11886537 (cited by Labcorp Genetics (formerly Invitae), Labcorp); PubMed 33580910 (cited by Labcorp Genetics (formerly Invitae), Labcorp).

NM_001814.6(CTSC):c.415G>T (p.Gly139Ter)

Gene: CTSC (cathepsin C; minus strand). Cytogenetic location: 11q14.2.
Variant type: single nucleotide variant.
Coding change: c.415G>T on transcript NM_001814.6 (MANE Select); coding-DNA position 415, G replaced by T.
Protein change: p.Gly139Ter; replaces glycine 139 with a stop codon.
Molecular consequence: nonsense.
Genome position (GRCh38, 1-based): chr11:88,312,458, C>A on the plus strand (G>T on the coding strand, the complement: CTSC is on the minus strand). VCF-style: chr11-88312458-C-A. GRCh37 (hg19) VCF-style: chr11-88045626-C-A.
Other names: short protein forms G139*.
Identifiers: ClinVar variation 2926323 (VCV002926323.5), dbSNP rs749103588, ClinGen allele CA382026556.